The following is an entry in ClinVar:

ClinVar aggregate classification (germline): Uncertain significance. Review status: criteria provided, multiple submitters, no conflicts (2 of 4 stars). 2 submissions from 2 submitters: Uncertain significance (2). Last evaluated 2024-12-06.

Conditions:
Inborn genetic diseases. Identifiers: MedGen C0950123, MeSH D030342.

Submissions (2):

GeneDx
Classification: Uncertain significance. Last evaluated: 2024-12-06. Review status: criteria provided, single submitter. Criteria: GeneDx Variant Classification Process June 2021. Collection method: clinical testing. Allele origin: germline. Affected: yes.
Comment: Not observed at significant frequency in large population cohorts (gnomAD); In silico analysis supports that this missense variant has a deleterious effect on protein structure/function; Has not been previously published as pathogenic or benign to our knowledge

Ambry Genetics
Classification: Uncertain significance for Inborn genetic diseases. Last evaluated: 2021-08-12. Review status: criteria provided, single submitter. Criteria: Ambry Variant Classification Scheme 2023. Collection method: clinical testing. Allele origin: germline.

NM_001377.3(DYNC2H1):c.6068A>T (p.Asp2023Val)

Gene: DYNC2H1 (dynein cytoplasmic 2 heavy chain 1; plus strand). Cytogenetic location: 11q22.3.
Variant type: single nucleotide variant.
Coding change: c.6068A>T on transcript NM_001377.3 (MANE Select); coding-DNA position 6068, A replaced by T.
Protein change: p.Asp2023Val; replaces aspartic acid 2023 with valine.
Molecular consequence: missense variant.
Genome position (GRCh38, 1-based): chr11:103,177,749, A>T. VCF-style: chr11-103177749-A-T. GRCh37 (hg19) VCF-style: chr11-103048478-A-T.
Other names: c.6068A>T, p.Asp2023Val (NM_001080463.2); short protein forms D2023V.
Identifiers: ClinVar variation 2243324 (VCV002243324.3), dbSNP rs2496235938, ClinGen allele CA382246470.